The following is an entry in ClinVar:

ClinVar aggregate classification (germline): Pathogenic (1 of 4 stars; one submission).

Conditions:
Meckel syndrome, type 6. Identifiers: Orphanet 564, MedGen C2676790, MONDO:0012848, OMIM 612284.

gnomAD v4.1: 1 of 1,564,060 alleles (0.000064%); highest among the groups gnomAD compares: Non-Finnish European, 0.000087%; no homozygotes.

Submission:

Women's Health and Genetics/Laboratory Corporation of America, LabCorp
Classification: Pathogenic for Meckel syndrome, type 6. Last evaluated: 2026-06-09. Review status: criteria provided, single submitter. Criteria: LabCorp Variant Classification Summary - May 2015. Collection method: clinical testing. Allele origin: germline.
Comment: Variant summary: CC2D2A c.1998C>A (p.Cys666X) results in a premature termination codon, predicted to cause a truncation of the encoded protein or absence of the protein due to nonsense mediated decay, which are commonly known mechanisms for disease. The variant was absent in 189360 control chromosomes. To our knowledge, no occurrence of c.1998C>A in individuals affected with CC2D2A-related conditions and no experimental evidence demonstrating its impact on protein function have been reported. No submitters have cited clinical-significance assessments for this variant to ClinVar. Based on the evidence outlined above, the variant was classified as pathogenic.

NM_001378615.1(CC2D2A):c.1998C>A (p.Cys666Ter)

Genes: CC2D2A (coiled-coil and C2 domain containing 2A; plus strand), FBXL5 (F-box and leucine rich repeat protein 5; minus strand). Cytogenetic location: 4p15.32.
Variant type: single nucleotide variant.
Coding change: c.1998C>A on transcript NM_001378615.1 (MANE Select); coding-DNA position 1998, C replaced by A.
Protein change: p.Cys666Ter; replaces cysteine 666 with a stop codon.
Molecular consequence: nonsense.
Genome position (GRCh38, 1-based): chr4:15,538,132, C>A. VCF-style: chr4-15538132-C-A. GRCh37 (hg19) VCF-style: chr4-15539755-C-A.
Other names: c.1998C>A, p.Cys666Ter (NM_001080522.2); c.1851C>A, p.Cys617Ter (NM_001378617.1); short protein forms C617*, C666*.
Identifiers: ClinVar variation 4887421 (VCV004887421.1).